The following is an entry in ClinVar:

NM_001943.5(DSG2):c.1549G>T (p.Ala517Ser)

Gene: DSG2 (desmoglein 2; plus strand). Cytogenetic location: 18q12.1.
Variant type: single nucleotide variant.
Coding change: c.1549G>T on transcript NM_001943.5 (MANE Select); coding-DNA position 1549, G replaced by T.
Protein change: p.Ala517Ser; replaces alanine 517 with serine.
Molecular consequence: missense variant.
Genome position (GRCh38, 1-based): chr18:31,536,327, G>T. VCF-style: chr18-31536327-G-T. GRCh37 (hg19) VCF-style: chr18-29116290-G-T.
Other names: short protein forms A517S.
Identifiers: ClinVar variation 1444015 (VCV001444015.8), dbSNP rs1299327345, ClinGen allele CA402141755.

ClinVar aggregate classification (germline): Uncertain significance. Review status: criteria provided, multiple submitters, no conflicts (2 of 4 stars). 2 submissions from 2 submitters: Uncertain significance (2). Last evaluated 2022-07-30.

Conditions:
Cardiovascular phenotype. Identifiers: MedGen CN230736.
Arrhythmogenic right ventricular dysplasia 10. Also called: ARRHYTHMOGENIC RIGHT VENTRICULAR DYSPLASIA, FAMILIAL, 10; Arrhythmogenic right ventricular dysplasia/cardiomyopathy, type 10; Arrhythmogenic Right Ventricular Dysplasia/Cardiomyopathy10. Identifiers: MedGen C1857777, MONDO:0012434, OMIM 610193.

Allele frequency attached by ClinVar (database versions not stated): gnomAD exomes below 0.00001; TOPMed 0.00002.
gnomAD v4.1: 1 of 1,614,196 alleles (0.000062%); highest among the groups gnomAD compares: African/African-American, 0.0013%; no homozygotes.

Submissions (2):

Labcorp Genetics (formerly Invitae), Labcorp
Classification: Uncertain significance for Arrhythmogenic right ventricular dysplasia 10. Last evaluated: 2022-07-30. Review status: criteria provided, single submitter. Criteria: Invitae Variant Classification Sherloc (09022015). Collection method: clinical testing. Allele origin: germline.
Comment: Algorithms developed to predict the effect of missense changes on protein structure and function (SIFT, PolyPhen-2, Align-GVGD) all suggest that this variant is likely to be disruptive. In summary, the available evidence is currently insufficient to determine the role of this variant in disease. Therefore, it has been classified as a Variant of Uncertain Significance. ClinVar contains an entry for this variant (Variation ID: 1444015). This variant has not been reported in the literature in individuals affected with DSG2-related conditions. This variant is present in population databases (no rsID available, gnomAD 0.007%). This sequence change replaces alanine, which is neutral and non-polar, with serine, which is neutral and polar, at codon 517 of the DSG2 protein (p.Ala517Ser).

Ambry Genetics
Classification: Uncertain significance for Cardiovascular phenotype. Last evaluated: 2020-02-27. Review status: criteria provided, single submitter. Criteria: Ambry Variant Classification Scheme 2023. Collection method: clinical testing. Allele origin: germline.
Comment: The p.A517S variant (also known as c.1549G>T), located in coding exon 11 of the DSG2 gene, results from a G to T substitution at nucleotide position 1549. The alanine at codon 517 is replaced by serine, an amino acid with similar properties. This amino acid position is highly conserved in available vertebrate species. In addition, the in silico prediction for this alteration is inconclusive. Since supporting evidence is limited at this time, the clinical significance of this alteration remains unclear.